The following is an entry in ClinVar:

NM_057175.5(NAA15):c.2303-2A>G

Gene: NAA15 (N-alpha-acetyltransferase 15, NatA auxiliary subunit; plus strand). Cytogenetic location: 4q31.1.
Variant type: single nucleotide variant.
Coding change: c.2303-2A>G on transcript NM_057175.5 (MANE Select); the canonical splice acceptor site of the intron before coding-DNA position 2303, A replaced by G.
Molecular consequence: splice acceptor variant.
Genome position (GRCh38, 1-based): chr4:139,386,131, A>G. VCF-style: chr4-139386131-A-G. GRCh37 (hg19) VCF-style: chr4-140307285-A-G.
Other names: c.2300-2A>G (NM_001410842.1).
Identifiers: ClinVar variation 4056636 (VCV004056636.1).

ClinVar aggregate classification (germline): Likely pathogenic (1 of 4 stars; one submission).

Conditions:
Intellectual developmental disorder, autosomal dominant 50, with behavioral abnormalities. Also called: MENTAL RETARDATION, AUTOSOMAL DOMINANT 50; Intellectual disability, autosomal dominant 50. Identifiers: MedGen C4540470, MONDO:0030916, OMIM 617787.

Submission:

Laboratorio de Genetica e Diagnostico Molecular, Hospital Israelita Albert Einstein
Classification: Likely pathogenic for Intellectual developmental disorder, autosomal dominant 50, with behavioral abnormalities. Last evaluated: 2024-12-27. Review status: criteria provided, single submitter. Criteria: ACMG Guidelines, 2015. Collection method: clinical testing. Allele origin: germline. Affected: yes.
Comment: ACMG classification criteria: PVS1 very strong, PM2 supporting